The following is an entry in ClinVar:

NM_001205293.3(CACNA1E):c.505C>T (p.Leu169Phe)

Gene: CACNA1E (calcium voltage-gated channel subunit alpha1 E; plus strand). Cytogenetic location: 1q25.3.
Variant type: single nucleotide variant.
Coding change: c.505C>T on transcript NM_001205293.3 (MANE Select); coding-DNA position 505, C replaced by T.
Protein change: p.Leu169Phe; replaces leucine 169 with phenylalanine.
Molecular consequence: missense variant.
Genome position (GRCh38, 1-based): chr1:181,511,503, C>T. VCF-style: chr1-181511503-C-T. GRCh37 (hg19) VCF-style: chr1-181480639-C-T.
Other names: c.505C>T, p.Leu169Phe (NM_000721.4, NM_001205294.2); short protein forms L169F.
Identifiers: ClinVar variation 3614261 (VCV003614261.2).

ClinVar aggregate classification (germline): Uncertain significance (1 of 4 stars; one submission).

Submission:

Labcorp Genetics (formerly Invitae), Labcorp
Classification: Uncertain significance. Last evaluated: 2024-11-05. Review status: criteria provided, single submitter. Criteria: Invitae Variant Classification Sherloc (09022015). Collection method: clinical testing. Allele origin: germline.
Comment: This sequence change replaces leucine, which is neutral and non-polar, with phenylalanine, which is neutral and non-polar, at codon 169 of the CACNA1E protein (p.Leu169Phe). This variant is not present in population databases (gnomAD no frequency). This variant has not been reported in the literature in individuals affected with CACNA1E-related conditions. Invitae Evidence Modeling of protein sequence and biophysical properties (such as structural, functional, and spatial information, amino acid conservation, physicochemical variation, residue mobility, and thermodynamic stability) has been performed for this missense variant. However, the output from this modeling did not meet the statistical confidence thresholds required to predict the impact of this variant on CACNA1E protein function. In summary, the available evidence is currently insufficient to determine the role of this variant in disease. Therefore, it has been classified as a Variant of Uncertain Significance.